The following is an entry in ClinVar:

NM_001330311.2(DVL1):c.462G>T (p.Glu154Asp)

Gene: DVL1 (dishevelled segment polarity protein 1; minus strand). Cytogenetic location: 1p36.33.
Variant type: single nucleotide variant.
Coding change: c.462G>T on transcript NM_001330311.2 (MANE Select); coding-DNA position 462, G replaced by T.
Protein change: p.Glu154Asp; replaces glutamic acid 154 with aspartic acid.
Molecular consequence: missense variant.
Genome position (GRCh38, 1-based): chr1:1,342,057, C>A on the plus strand (G>T on the coding strand, the complement: DVL1 is on the minus strand). VCF-style: chr1-1342057-C-A. GRCh37 (hg19) VCF-style: chr1-1277437-C-A.
Other names: c.462G>T, p.Glu154Asp (NM_004421.3); short protein forms E154D.
Identifiers: ClinVar variation 2753297 (VCV002753297.3), dbSNP rs751311564, ClinGen allele CA337874861.

ClinVar aggregate classification (germline): Uncertain significance (1 of 4 stars; one submission).

Allele frequency attached by ClinVar (database versions not stated): TOPMed below 0.00001; gnomAD 0.00001.
gnomAD v4.1: 2 of 1,576,342 alleles (0.00013%); highest among the groups gnomAD compares: Non-Finnish European, 0.00017%; no homozygotes.

Submission:

Labcorp Genetics (formerly Invitae), Labcorp
Classification: Uncertain significance. Last evaluated: 2023-08-17. Review status: criteria provided, single submitter. Criteria: Invitae Variant Classification Sherloc (09022015). Collection method: clinical testing. Allele origin: germline.
Comment: This sequence change replaces glutamic acid, which is acidic and polar, with aspartic acid, which is acidic and polar, at codon 154 of the DVL1 protein (p.Glu154Asp). This variant is not present in population databases (gnomAD no frequency). This variant has not been reported in the literature in individuals affected with DVL1-related conditions. Advanced modeling of protein sequence and biophysical properties (such as structural, functional, and spatial information, amino acid conservation, physicochemical variation, residue mobility, and thermodynamic stability) performed at Invitae indicates that this missense variant is not expected to disrupt DVL1 protein function. In summary, the available evidence is currently insufficient to determine the role of this variant in disease. Therefore, it has been classified as a Variant of Uncertain Significance.